The following is an entry in ClinVar:

NM_015599.3(PGM3):c.1510G>A (p.Val504Ile)

Genes: DOP1A (DOP1 leucine zipper like protein A; plus strand), PGM3 (phosphoglucomutase 3; minus strand). Cytogenetic location: 6q14.1.
Variant type: single nucleotide variant.
Coding change: c.1510G>A on transcript NM_015599.3 (MANE Select); coding-DNA position 1510, G replaced by A.
Protein change: p.Val504Ile; replaces valine 504 with isoleucine.
Molecular consequence: missense variant. On other transcripts: non-coding transcript variant (1).
Genome position (GRCh38, 1-based): chr6:83,170,334, C>T on the plus strand (G>A on the coding strand, the complement: PGM3 is on the minus strand). VCF-style: chr6-83170334-C-T. GRCh37 (hg19) VCF-style: chr6-83880053-C-T.
Other names: c.1594G>A, p.Val532Ile (NM_001199917.2, NM_001367287.1); c.1267G>A, p.Val423Ile (NM_001199918.2); c.1510G>A, p.Val504Ile (NM_001199919.2); c.1387G>A, p.Val463Ile (NM_001367286.1); short protein forms V532I, V463I, V423I, V504I.
Identifiers: ClinVar variation 646876 (VCV000646876.10), dbSNP rs529906310, ClinGen allele CA3906501.

ClinVar aggregate classification (germline): Uncertain significance. Review status: criteria provided, multiple submitters, no conflicts (2 of 4 stars). 3 submissions from 3 submitters: Uncertain significance (3). Last evaluated 2026-03-19.

Conditions:
Inborn genetic diseases. Identifiers: MedGen C0950123, MeSH D030342.
Immunodeficiency 23 (IMD23). Also called: IMMUNODEFICIENCY WITH HYPER IgE AND COGNITIVE IMPAIRMENT; IMMUNODEFICIENCY-VASCULITIS-MYOCLONUS SYNDROME. Identifiers: Orphanet 443811, MedGen C4014371, MONDO:0014353, OMIM 615816.
Fetal anomalies with a likely genetic cause.

Allele frequency attached by ClinVar (database versions not stated): ExAC 0.00007; gnomAD exomes 0.00008; TOPMed 0.00015; gnomAD 0.00016; 1000 Genomes Project 0.00020; 1000 Genomes Project 30x 0.00031.
gnomAD v4.1: 112 of 1,614,136 alleles (0.0069%); highest among the groups gnomAD compares: East Asian, 0.031%; no homozygotes.

Submissions (3):

Genetics Laboratory, Great Ormond Street Hospital NHS Foundation Trust, North Thames Genomic Laboratory Hub
Classification: Uncertain significance for Fetal anomalies with a likely genetic cause. Last evaluated: 2026-03-19. Review status: criteria provided, single submitter. Criteria: ACGS Best Practice Guidelines for Variant Classification in Rare Disease 2024 v1.2. Collection method: clinical testing. Allele origin: germline. Affected: yes.
Comment: BP4_supporting

Ambry Genetics
Classification: Uncertain significance for Inborn genetic diseases. Last evaluated: 2025-08-07. Review status: criteria provided, single submitter. Criteria: Ambry Variant Classification Scheme 2023. Collection method: clinical testing. Allele origin: germline.

Labcorp Genetics (formerly Invitae), Labcorp
Classification: Uncertain significance for Immunodeficiency 23. Last evaluated: 2024-10-22. Review status: criteria provided, single submitter. Criteria: Invitae Variant Classification Sherloc (09022015). Collection method: clinical testing. Allele origin: germline.
Comment: This sequence change replaces valine, which is neutral and non-polar, with isoleucine, which is neutral and non-polar, at codon 532 of the PGM3 protein (p.Val532Ile). This variant is present in population databases (rs529906310, gnomAD 0.06%). This variant has not been reported in the literature in individuals affected with PGM3-related conditions. ClinVar contains an entry for this variant (Variation ID: 646876). An algorithm developed to predict the effect of missense changes on protein structure and function outputs the following: PolyPhen-2: "Benign". The isoleucine amino acid residue is found in multiple mammalian species, which suggests that this missense change does not adversely affect protein function. In summary, the available evidence is currently insufficient to determine the role of this variant in disease. Therefore, it has been classified as a Variant of Uncertain Significance.